The following is an entry in ClinVar:

NM_005216.5(DDOST):c.1181G>A (p.Arg394Gln)

Gene: DDOST (dolichyl-diphosphooligosaccharide--protein glycosyltransferase non-catalytic subunit; minus strand). Cytogenetic location: 1p36.12.
Variant type: single nucleotide variant.
Coding change: c.1181G>A on transcript NM_005216.5 (MANE Select); coding-DNA position 1181, G replaced by A.
Protein change: p.Arg394Gln; replaces arginine 394 with glutamine.
Molecular consequence: missense variant.
Genome position (GRCh38, 1-based): chr1:20,652,518, C>T on the plus strand (G>A on the coding strand, the complement: DDOST is on the minus strand). VCF-style: chr1-20652518-C-T. GRCh37 (hg19) VCF-style: chr1-20979011-C-T.
Other names: short protein forms R394Q.
Identifiers: ClinVar variation 2638436 (VCV002638436.24), dbSNP rs373329310, ClinGen allele CA660993.
Genomic context (GRCh38, chr1:20,652,518, plus strand): 5'-CTGGCGTAGTAGGGGTAGGCCGAGGGGATGAAGCGCTCATACTGCGTGTGCTGGAGTGGC[C>T]GCACGGATACCTGCAGGAGGACAGAGGTGGCAGGACCTGGCCACTGCAGAGCCCAGGCAG-3'
Protein context (NP_005207.3, residues 384-404): HLYSSTQVSV[Arg394Gln]PLQHTQYERF

ClinVar aggregate classification (germline): Uncertain significance (1 of 4 stars; one submission).

Allele frequency attached by ClinVar (database versions not stated): ExAC 0.00001; gnomAD 0.00001; TOPMed 0.00001; ESP Exome Variant Server 0.00008.

Submission:

CeGaT Center for Human Genetics Tuebingen
Classification: Uncertain significance. Last evaluated: 2022-08-01. Review status: criteria provided, single submitter. Criteria: CeGaT Center For Human Genetics Tuebingen Variant Classification Criteria Version 2. Collection method: clinical testing. Allele origin: germline. Affected: yes. Observed: 1 variant allele.
Comment: DDOST: PM2, PP3